The following is an entry in ClinVar:

ClinVar aggregate classification (germline): Uncertain significance. Review status: criteria provided, multiple submitters, no conflicts (2 of 4 stars). 3 submissions from 3 submitters: Uncertain significance (3). Last evaluated 2026-01-17.

Conditions:
Tuberous sclerosis 2 (TSC2). Identifiers: Orphanet 805, MedGen C1860707, MONDO:0013199, OMIM 613254.
Hereditary cancer-predisposing syndrome. Also called: Neoplastic Syndromes, Hereditary; Hereditary Cancer Syndrome; Tumor predisposition; Hereditary neoplastic syndrome. Identifiers: Orphanet 140162, MedGen C0027672, MeSH D009386, MONDO:0015356.

Allele frequency attached by ClinVar (database versions not stated): TOPMed 0.00002.

Submissions (3):

Labcorp Genetics (formerly Invitae), Labcorp
Classification: Uncertain significance for Tuberous sclerosis 2. Last evaluated: 2026-01-17. Review status: criteria provided, single submitter. Criteria: Invitae Variant Classification Sherloc (09022015). Collection method: clinical testing. Allele origin: germline.
Comment: This sequence change replaces glutamine, which is neutral and polar, with proline, which is neutral and non-polar, at codon 1148 of the TSC2 protein (p.Gln1148Pro). This variant is not present in population databases (gnomAD no frequency). This variant has not been reported in the literature in individuals affected with TSC2-related conditions. ClinVar contains an entry for this variant (Variation ID: 589043). Invitae Evidence Modeling of protein sequence and biophysical properties (such as structural, functional, and spatial information, amino acid conservation, physicochemical variation, residue mobility, and thermodynamic stability) indicates that this missense variant is not expected to disrupt TSC2 protein function with a negative predictive value of 95%. In summary, the available evidence is currently insufficient to determine the role of this variant in disease. Therefore, it has been classified as a Variant of Uncertain Significance.

Ambry Genetics
Classification: Uncertain significance for Hereditary cancer-predisposing syndrome. Last evaluated: 2025-12-12. Review status: criteria provided, single submitter. Criteria: Ambry Variant Classification Scheme 2023. Collection method: clinical testing. Allele origin: germline.
Comment: The p.Q1148P variant (also known as c.3443A>C), located in coding exon 29 of the TSC2 gene, results from an A to C substitution at nucleotide position 3443. The glutamine at codon 1148 is replaced by proline, an amino acid with similar properties. This amino acid position is poorly conserved in available vertebrate species. In addition, the in silico prediction for this alteration is inconclusive. Based on the available evidence, the clinical significance of this variant remains unclear.

Genome-Nilou Lab
Classification: Uncertain significance for Tuberous sclerosis 2. Last evaluated: 2021-11-07. Review status: criteria provided, single submitter. Criteria: ACMG Guidelines, 2015. Collection method: clinical testing. Allele origin: germline. Affected: no.

NM_000548.5(TSC2):c.3443A>C (p.Gln1148Pro)

Gene: TSC2 (TSC complex subunit 2; plus strand). Cytogenetic location: 16p13.3.
Variant type: single nucleotide variant.
Coding change: c.3443A>C on transcript NM_000548.5 (MANE Select); coding-DNA position 3443, A replaced by C.
Protein change: p.Gln1148Pro; replaces glutamine 1148 with proline.
Molecular consequence: missense variant.
Genome position (GRCh38, 1-based): chr16:2,080,210, A>C. VCF-style: chr16-2080210-A-C. GRCh37 (hg19) VCF-style: chr16-2130211-A-C.
Other names: c.3311A>C, p.Gln1104Pro (NM_001077183.3, NM_001370404.1); c.3443A>C, p.Gln1148Pro (NM_001114382.3); c.2711A>C, p.Gln904Pro (NM_001318831.2); c.3344A>C, p.Gln1115Pro (NM_001318832.2); c.3314A>C, p.Gln1105Pro (NM_001363528.2, NM_001370405.1, NM_021055.3); c.3203A>C, p.Gln1068Pro (NM_001318827.2); c.3167A>C, p.Gln1056Pro (NM_001318829.2); short protein forms Q1148P, Q1056P, Q1068P, Q1115P, Q1104P, Q1105P, Q904P.
Identifiers: ClinVar variation 589043 (VCV000589043.19), dbSNP rs1217539900, ClinGen allele CA394288700.